The following is an entry in ClinVar:

NM_001348768.2(HECW2):c.4223G>C (p.Arg1408Thr)

Gene: HECW2 (HECT, C2 and WW domain containing E3 ubiquitin protein ligase 2; minus strand). Cytogenetic location: 2q32.3.
Variant type: single nucleotide variant.
Coding change: c.4223G>C on transcript NM_001348768.2 (MANE Select); coding-DNA position 4223, G replaced by C.
Protein change: p.Arg1408Thr; replaces arginine 1408 with threonine.
Molecular consequence: missense variant.
Genome position (GRCh38, 1-based): chr2:196,220,865, C>G on the plus strand (G>C on the coding strand, the complement: HECW2 is on the minus strand). VCF-style: chr2-196220865-C-G. GRCh37 (hg19) VCF-style: chr2-197085589-C-G.
Other names: c.3155G>C, p.Arg1052Thr (NM_001304840.3); c.4223G>C, p.Arg1408Thr (NM_020760.4); short protein forms R1408T, R1052T.
Identifiers: ClinVar variation 2517049 (VCV002517049.24), dbSNP rs373995741, ClinGen allele CA2037560.

ClinVar aggregate classification (germline): Likely benign. Review status: criteria provided, multiple submitters, no conflicts (2 of 4 stars). 2 submissions from 2 submitters: Likely benign (2). Last evaluated 2024-01-01.

Conditions:
Inborn genetic diseases. Identifiers: MedGen C0950123, MeSH D030342.

Allele frequency attached by ClinVar (database versions not stated): ExAC 0.00002; TOPMed 0.00006; gnomAD 0.00007; ESP Exome Variant Server 0.00008; gnomAD exomes 0.00009.
gnomAD v4.1: 143 of 1,614,054 alleles (0.0089%); highest among the groups gnomAD compares: Non-Finnish European, 0.012%; no homozygotes.

Submissions (2):

CeGaT Center for Human Genetics Tuebingen
Classification: Likely benign. Last evaluated: 2024-01-01. Review status: criteria provided, single submitter. Criteria: CeGaT Center For Human Genetics Tuebingen Variant Classification Criteria Version 2. Collection method: clinical testing. Allele origin: germline. Affected: yes. Observed: 1 variant allele.
Comment: HECW2: BS2

Ambry Genetics
Classification: Likely benign for Inborn genetic diseases. Last evaluated: 2023-05-31. Review status: criteria provided, single submitter. Criteria: Ambry Variant Classification Scheme 2023. Collection method: clinical testing. Allele origin: germline.